The following is an entry in ClinVar:

ClinVar aggregate classification (germline): Pathogenic (1 of 4 stars; one submission).

Conditions:
Inborn genetic diseases. Identifiers: MedGen C0950123, MeSH D030342.

Submission:

Ambry Genetics
Classification: Pathogenic for Inborn genetic diseases. Last evaluated: 2025-08-25. Review status: criteria provided, single submitter. Criteria: Ambry Variant Classification Scheme 2023. Collection method: clinical testing. Allele origin: germline.
Comment: The c.51delG (p.L18Cfs*127) alteration, located in exon 1 (coding exon 1) of the ACE gene, consists of a deletion of one nucleotide at position 51, causing a translational frameshift with a predicted alternate stop codon after 127 amino acids. This alteration is expected to result in loss of function by premature protein truncation or nonsense-mediated mRNA decay. This variant was not reported in population-based cohorts in the Genome Aggregation Database (gnomAD). Based on the available evidence, this alteration is classified as pathogenic.

NM_000789.4(ACE):c.51del (p.Leu18fs)

Gene: ACE (angiotensin I converting enzyme; plus strand). Cytogenetic location: 17q23.3.
Variant type: Deletion.
Coding change: c.51del on transcript NM_000789.4 (MANE Select); coding-DNA position 51, one base deleted (G; older notation c.51delG).
Protein change: p.Leu18fs; shifts the reading frame from leucine 18.
Molecular consequence: frameshift variant. On other transcripts: 5 prime UTR variant (2).
Genome position (GRCh38, 1-based): chr17:63,477,145, G deleted. VCF-style (leftmost placement, unchanged base first): chr17-63477144-CG-C. GRCh37 (hg19) VCF-style: chr17-61554505-CG-C.
Other names: c.-185del (NM_001382700.1); c.-564del (NM_001382701.1); short protein forms L18fs.
Identifiers: ClinVar variation 4215261 (VCV004215261.1).